The following is an entry in ClinVar:

ClinVar aggregate classification (germline): Uncertain significance. Review status: criteria provided, single submitter (1 of 4 stars). 2 submissions from 2 submitters: Uncertain significance (1). 1 of the submissions does not count toward it. Last evaluated 2025-01-17.

Conditions:
DNAH10-related disorder. Also called: DNAH10-related condition.

Allele frequency attached by ClinVar (database versions not stated): gnomAD exomes below 0.00001; ExAC 0.00001; gnomAD 0.00001; TOPMed 0.00001.
gnomAD v4.1: 2 of 1,613,914 alleles (0.00012%); highest among the groups gnomAD compares: African/African-American, 0.0027%; no homozygotes.

Submissions (2):

Ambry Genetics
Classification: Uncertain significance. Last evaluated: 2025-01-17. Review status: criteria provided, single submitter. Criteria: Ambry Variant Classification Scheme 2023. Collection method: clinical testing. Allele origin: germline.

PreventionGenetics, part of Exact Sciences
Classification: Uncertain significance for DNAH10-related condition. Last evaluated: 2023-12-14. Review status: no assertion criteria provided. Collection method: clinical testing. Allele origin: germline. Not counted in ClinVar's aggregate classification.
Comment: The DNAH10 c.11504G>A variant is predicted to result in the amino acid substitution p.Cys3835Tyr. To our knowledge, this variant has not been reported in the literature. This variant is reported in 0.0083% of alleles in individuals of African descent in gnomAD. At this time, the clinical significance of this variant is uncertain due to the absence of conclusive functional and genetic evidence.

NM_001372106.1(DNAH10):c.11858G>A (p.Cys3953Tyr)

Gene: DNAH10 (dynein axonemal heavy chain 10; plus strand). Cytogenetic location: 12q24.31.
Variant type: single nucleotide variant.
Coding change: c.11858G>A on transcript NM_001372106.1 (MANE Select); coding-DNA position 11858, G replaced by A.
Protein change: p.Cys3953Tyr; replaces cysteine 3953 with tyrosine.
Molecular consequence: missense variant.
Genome position (GRCh38, 1-based): chr12:123,925,141, G>A. VCF-style: chr12-123925141-G-A. GRCh37 (hg19) VCF-style: chr12-124409688-G-A.
Other names: c.11504G>A, p.Cys3835Tyr (NM_001083900.1, NM_207437.3); short protein forms C3835Y, C3953Y.
Identifiers: ClinVar variation 3029041 (VCV003029041.3), dbSNP rs757982368, ClinGen allele CA6865755.